The following is an entry in ClinVar:

ClinVar aggregate classification (germline): Uncertain significance (1 of 4 stars; one submission).

Conditions:
DOCK2 deficiency. Also called: Immunodeficiency 40. Identifiers: Orphanet 447737, MedGen C4225328, MONDO:0014637, OMIM 616433.

gnomAD v4.1: 2 of 1,614,024 alleles (0.00012%); highest among the groups gnomAD compares: South Asian, 0.0011%; no homozygotes.

Submission:

Labcorp Genetics (formerly Invitae), Labcorp
Classification: Uncertain significance for DOCK2 deficiency. Last evaluated: 2026-01-01. Review status: criteria provided, single submitter. Criteria: Invitae Variant Classification Sherloc (09022015). Collection method: clinical testing. Allele origin: germline.
Comment: This sequence change replaces valine, which is neutral and non-polar, with isoleucine, which is neutral and non-polar, at codon 448 of the DOCK2 protein (p.Val448Ile). This variant is not present in population databases (gnomAD no frequency). This variant has not been reported in the literature in individuals affected with DOCK2-related conditions. An algorithm developed to predict the effect of missense changes on protein structure and function (PolyPhen-2) suggests that this variant is likely to be disruptive. In summary, the available evidence is currently insufficient to determine the role of this variant in disease. Therefore, it has been classified as a Variant of Uncertain Significance.

NM_004946.3(DOCK2):c.1342G>A (p.Val448Ile)

Gene: DOCK2 (dedicator of cytokinesis 2; plus strand). Cytogenetic location: 5q35.1.
Variant type: single nucleotide variant.
Coding change: c.1342G>A on transcript NM_004946.3 (MANE Select); coding-DNA position 1342, G replaced by A.
Protein change: p.Val448Ile; replaces valine 448 with isoleucine.
Molecular consequence: missense variant. On other transcripts: non-coding transcript variant (1).
Genome position (GRCh38, 1-based): chr5:169,702,386, G>A. VCF-style: chr5-169702386-G-A. GRCh37 (hg19) VCF-style: chr5-169129390-G-A.
Other names: short protein forms V448I.
Identifiers: ClinVar variation 4734191 (VCV004734191.1).